The following is an entry in ClinVar:

ClinVar aggregate classification (germline): Uncertain significance (1 of 4 stars; one submission).

Conditions:
Atrioventricular septal defect 5 (AVSD5). Identifiers: MedGen C3280939, MONDO:0013769, OMIM 614474.

Submission:

Labcorp Genetics (formerly Invitae), Labcorp
Classification: Uncertain significance for Atrioventricular septal defect 5. Last evaluated: 2023-08-30. Review status: criteria provided, single submitter. Criteria: Invitae Variant Classification Sherloc (09022015). Collection method: clinical testing. Allele origin: germline.
Comment: This sequence change replaces leucine, which is neutral and non-polar, with isoleucine, which is neutral and non-polar, at codon 416 of the GATA6 protein (p.Leu416Ile). This variant is not present in population databases (gnomAD no frequency). This variant has not been reported in the literature in individuals affected with GATA6-related conditions. ClinVar contains an entry for this variant (Variation ID: 1997312). Advanced modeling of protein sequence and biophysical properties (such as structural, functional, and spatial information, amino acid conservation, physicochemical variation, residue mobility, and thermodynamic stability) performed at Invitae indicates that this missense variant is expected to disrupt GATA6 protein function. In summary, the available evidence is currently insufficient to determine the role of this variant in disease. Therefore, it has been classified as a Variant of Uncertain Significance.

NM_005257.6(GATA6):c.1246C>A (p.Leu416Ile)

Gene: GATA6 (GATA binding protein 6; plus strand). Cytogenetic location: 18q11.2.
Variant type: single nucleotide variant.
Coding change: c.1246C>A on transcript NM_005257.6 (MANE Select); coding-DNA position 1246, C replaced by A.
Protein change: p.Leu416Ile; replaces leucine 416 with isoleucine.
Molecular consequence: missense variant.
Genome position (GRCh38, 1-based): chr18:22,177,065, C>A. VCF-style: chr18-22177065-C-A. GRCh37 (hg19) VCF-style: chr18-19757026-C-A.
Other names: short protein forms L416I.
Identifiers: ClinVar variation 1997312 (VCV001997312.4), dbSNP rs2033130661, ClinGen allele CA401802127.
Genomic context (GRCh38, chr18:22,177,065, plus strand): 5'-ATCCAGACGCCGCTGTGGCGGCGGGACGGCACCGGCCACTACCTGTGCAACGCCTGCGGG[C>A]TCTACAGCAAGATGAACGGCCTCAGCCGGCCCCTCATCAAGCCGCAGAAGCGCGTGGTGA-3'
Protein context (NP_005248.2, residues 406-426): TGHYLCNACG[Leu416Ile]YSKMNGLSRP